The following is an entry in ClinVar:

ClinVar aggregate classification (germline): Uncertain significance. Review status: criteria provided, multiple submitters, no conflicts (2 of 4 stars). 2 submissions from 2 submitters: Uncertain significance (2). Last evaluated 2025-06-30.

Conditions:
Charcot-Marie-Tooth disease type 2. Also called: Charcot-Marie-Tooth type 2. Identifiers: Orphanet 64746, MedGen C0270914, MONDO:0018993.

Allele frequency attached by ClinVar (database versions not stated): gnomAD exomes below 0.00001; TOPMed below 0.00001; ExAC 0.00001.
gnomAD v4.1: 4 of 1,614,176 alleles (0.00025%); highest among the groups gnomAD compares: Non-Finnish European, 0.00025%; no homozygotes.

Submissions (2):

Ambry Genetics
Classification: Uncertain significance. Last evaluated: 2025-06-30. Review status: criteria provided, single submitter. Criteria: Ambry Variant Classification Scheme 2023. Collection method: clinical testing. Allele origin: germline.

Labcorp Genetics (formerly Invitae), Labcorp
Classification: Uncertain significance for Charcot-Marie-Tooth disease type 2. Last evaluated: 2021-02-12. Review status: criteria provided, single submitter. Criteria: Invitae Variant Classification Sherloc (09022015). Collection method: clinical testing. Allele origin: germline.
Comment: In summary, the available evidence is currently insufficient to determine the role of this variant in disease. Therefore, it has been classified as a Variant of Uncertain Significance. Algorithms developed to predict the effect of missense changes on protein structure and function are either unavailable or do not agree on the potential impact of this missense change (SIFT: "Deleterious"; PolyPhen-2: "Probably Damaging"; Align-GVGD: "Class C0"). This variant has not been reported in the literature in individuals with KIF1B-related conditions. This variant is present in population databases (rs762619916, ExAC 0.001%). This sequence change replaces proline with leucine at codon 916 of the KIF1B protein (p.Pro916Leu). The proline residue is highly conserved and there is a moderate physicochemical difference between proline and leucine.

NM_001365951.3(KIF1B):c.2885C>T (p.Pro962Leu)

Genes: KIF1B (kinesin family member 1B; plus strand), LOC126805614 (BRD4-independent group 4 enhancer GRCh37_chr1:10385546-10386745; plus strand). Cytogenetic location: 1p36.22.
Variant type: single nucleotide variant.
Coding change: c.2885C>T on transcript NM_001365951.3 (MANE Select); coding-DNA position 2885, C replaced by T.
Protein change: p.Pro962Leu; replaces proline 962 with leucine.
Molecular consequence: missense variant.
Genome position (GRCh38, 1-based): chr1:10,326,320, C>T. VCF-style: chr1-10326320-C-T. GRCh37 (hg19) VCF-style: chr1-10386378-C-T.
Other names: c.2885C>T, p.Pro962Leu (NM_001365952.1); c.2747C>T, p.Pro916Leu (NM_015074.3); short protein forms P962L, P916L.
Identifiers: ClinVar variation 1382136 (VCV001382136.10), dbSNP rs762619916, ClinGen allele CA581633.